The following is an entry in ClinVar:

ClinVar aggregate classification (germline): Uncertain significance (1 of 4 stars; one submission).

Conditions:
Anophthalmia/microphthalmia-esophageal atresia syndrome (MCOPS3). Also called: MICROPHTHALMIA AND ESOPHAGEAL ATRESIA SYNDROME; AEG SYNDROME; SOX2 Disorder. Identifiers: Orphanet 77298, MedGen C1859773, MONDO:0008799, OMIM 206900.

Submission:

Labcorp Genetics (formerly Invitae), Labcorp
Classification: Uncertain significance for Anophthalmia/microphthalmia-esophageal atresia syndrome. Last evaluated: 2025-04-17. Review status: criteria provided, single submitter. Criteria: Invitae Variant Classification Sherloc (09022015). Collection method: clinical testing. Allele origin: germline.
Comment: This sequence change affects codon 87 of the SOX2 mRNA. It is a 'silent' change, meaning that it does not change the encoded amino acid sequence of the SOX2 protein. This variant is not present in population databases (gnomAD no frequency). This variant has not been reported in the literature in individuals affected with SOX2-related conditions. In summary, the available evidence is currently insufficient to determine the role of this variant in disease. Therefore, it has been classified as a Variant of Uncertain Significance.

NM_003106.4(SOX2):c.261G>A (p.Lys87=)

Genes: SOX2-OT (SOX2 overlapping transcript; plus strand), SOX2 (SRY-box transcription factor 2; plus strand), LOC108281177 (SOX2 5' regulatory region; plus strand). Cytogenetic location: 3q26.33.
Variant type: single nucleotide variant.
Coding change: c.261G>A on transcript NM_003106.4 (MANE Select); coding-DNA position 261, G replaced by A.
Protein change: p.Lys87=; no amino-acid change (lysine 87 retained).
Molecular consequence: synonymous variant.
Genome position (GRCh38, 1-based): chr3:181,712,621, G>A. VCF-style: chr3-181712621-G-A. GRCh37 (hg19) VCF-style: chr3-181430409-G-A.
Identifiers: ClinVar variation 4755020 (VCV004755020.1).